The following is an entry in ClinVar:

NM_014140.4(SMARCAL1):c.1644+1G>T

Gene: SMARCAL1 (SNF2 related chromatin remodeling annealing helicase 1; plus strand). Cytogenetic location: 2q35.
Variant type: single nucleotide variant.
Coding change: c.1644+1G>T on transcript NM_014140.4 (MANE Select); the canonical splice donor site of the intron after coding-DNA position 1644, G replaced by T.
Molecular consequence: splice donor variant.
Genome position (GRCh38, 1-based): chr2:216,435,497, G>T. VCF-style: chr2-216435497-G-T. GRCh37 (hg19) VCF-style: chr2-217300220-G-T.
Other names: c.1644+1G>T (NM_001127207.2).
Identifiers: ClinVar variation 850455 (VCV000850455.3), dbSNP rs1694062061, ClinGen allele CA350500628.

ClinVar aggregate classification (germline): Likely pathogenic (1 of 4 stars; one submission).

Conditions:
Schimke immuno-osseous dysplasia (SIOD). Also called: Schimke Immunoosseous Dysplasia. Identifiers: Orphanet 1830, MedGen C0877024, MONDO:0009458, OMIM 242900.

Submission:

Labcorp Genetics (formerly Invitae), Labcorp
Classification: Likely pathogenic for Schimke immuno-osseous dysplasia. Last evaluated: 2024-06-26. Review status: criteria provided, single submitter. Criteria: Invitae Variant Classification Sherloc (09022015). Collection method: clinical testing. Allele origin: germline.
Comment: This sequence change affects a donor splice site in intron 9 of the SMARCAL1 gene. It is expected to disrupt RNA splicing. Variants that disrupt the donor or acceptor splice site typically lead to a loss of protein function (PMID: 16199547), and loss-of-function variants in SMARCAL1 are known to be pathogenic (PMID: 11799392, 20301550). This variant is not present in population databases (gnomAD no frequency). This variant has not been reported in the literature in individuals affected with SMARCAL1-related conditions. ClinVar contains an entry for this variant (Variation ID: 850455). Algorithms developed to predict the effect of sequence changes on RNA splicing suggest that this variant may disrupt the consensus splice site. In summary, the currently available evidence indicates that the variant is pathogenic, but additional data are needed to prove that conclusively. Therefore, this variant has been classified as Likely Pathogenic.

Literature cited by the submitters: PubMed 16199547; PubMed 11799392; PubMed 20301550.